The following is an entry in ClinVar:

NM_000032.5(ALAS2):c.1623_1625del (p.Ala542del)

Gene: ALAS2 (5'-aminolevulinate synthase 2; minus strand). Cytogenetic location: Xp11.21.
Variant type: Deletion.
Coding change: c.1623_1625del on transcript NM_000032.5 (MANE Select); coding-DNA positions 1623 to 1625, 3 bases deleted (TGC; older notation c.1623_1625delTGC).
Protein change: p.Ala542del; deletes alanine 542.
Genome position (GRCh38, 1-based): chrX:55,009,319-55,009,321, GCA deleted on the plus strand (TGC on the coding strand, the reverse complement: ALAS2 is on the minus strand); deleting any 3 consecutive bases within chrX:55,009,319-55,009,322 gives the same sequence; the c. name uses the placement nearest the transcript's 3' end. VCF-style (leftmost placement, unchanged base first): chrX-55009318-CGCA-C. GRCh37 (hg19) VCF-style: chrX-55035751-CGCA-C.
Other names: c.1512_1514del, p.Ala505del (NM_001037967.4); c.1584_1586del, p.Ala529del (NM_001037968.4); short protein forms A505del, A529del, A542del.
Identifiers: ClinVar variation 3360098 (VCV003360098.1).

ClinVar aggregate classification (germline): Uncertain significance (1 of 4 stars; one submission).

Submission:

GeneDx
Classification: Uncertain significance. Last evaluated: 2023-06-21. Review status: criteria provided, single submitter. Criteria: GeneDx Variant Classification Process June 2021. Collection method: clinical testing. Allele origin: germline. Affected: yes.
Comment: In-frame deletion of 1 amino acids in a non-repeat region; Not observed at significant frequency in large population cohorts (gnomAD); In silico analysis supports that this variant does not alter protein structure/function; Has not been previously published as pathogenic or benign to our knowledge